The following is an entry in ClinVar:

NM_030665.4(RAI1):c.3685A>G (p.Met1229Val)

Gene: RAI1 (retinoic acid induced 1; plus strand). Cytogenetic location: 17p11.2.
Variant type: single nucleotide variant.
Coding change: c.3685A>G on transcript NM_030665.4 (MANE Select); coding-DNA position 3685, A replaced by G.
Protein change: p.Met1229Val; replaces methionine 1229 with valine.
Molecular consequence: missense variant.
Genome position (GRCh38, 1-based): chr17:17,796,633, A>G. VCF-style: chr17-17796633-A-G. GRCh37 (hg19) VCF-style: chr17-17699947-A-G.
Other names: c.3685A>G (NM_030665.3); short protein forms M1229V.
Identifiers: ClinVar variation 1410563 (VCV001410563.11), dbSNP rs771093192, ClinGen allele CA8418782.

ClinVar aggregate classification (germline): Conflicting classifications of pathogenicity. Review status: criteria provided, conflicting classifications (1 of 4 stars). 3 submissions from 3 submitters: Uncertain significance (1); Benign (1); Likely benign (1). Last evaluated 2026-08-24.

Conditions:
Inborn genetic diseases. Identifiers: MedGen C0950123, MeSH D030342.
RAI1-related disorder. Also called: RAI1-related condition.

Allele frequency attached by ClinVar (database versions not stated): ExAC 0.00001; gnomAD 0.00001; gnomAD exomes 0.00001 and 0.00002; TOPMed 0.00004.

Submissions (3):

PreventionGenetics, part of Exact Sciences
Classification: Likely benign for RAI1-related condition. Last evaluated: 2026-08-24. Review status: criteria provided, single submitter. Criteria: ACMG Guidelines, 2015. Collection method: clinical testing. Allele origin: germline.
Comment: This variant is classified as likely benign based on ACMG/AMP sequence variant interpretation guidelines (Richards et al. 2015 PMID: 25741868, with internal and published modifications).

Labcorp Genetics (formerly Invitae), Labcorp
Classification: Benign. Last evaluated: 2025-02-20. Review status: criteria provided, single submitter. Criteria: Invitae Variant Classification Sherloc (09022015). Collection method: clinical testing. Allele origin: germline.

Ambry Genetics
Classification: Uncertain significance for Inborn genetic diseases. Last evaluated: 2021-12-13. Review status: criteria provided, single submitter. Criteria: Ambry Variant Classification Scheme 2023. Collection method: clinical testing. Allele origin: germline.